The following is an entry in ClinVar:

NM_000018.4(ACADVL):c.1241A>C (p.Glu414Ala)

Gene: ACADVL (acyl-CoA dehydrogenase very long chain; plus strand). Cytogenetic location: 17p13.1.
Variant type: single nucleotide variant.
Coding change: c.1241A>C on transcript NM_000018.4 (MANE Select); coding-DNA position 1241, A replaced by C.
Protein change: p.Glu414Ala; replaces glutamic acid 414 with alanine.
Molecular consequence: missense variant.
Genome position (GRCh38, 1-based): chr17:7,223,702, A>C. VCF-style: chr17-7223702-A-C. GRCh37 (hg19) VCF-style: chr17-7127021-A-C.
Other names: c.1175A>C, p.Glu392Ala (NM_001033859.3); c.1310A>C, p.Glu437Ala (NM_001270447.2); c.1013A>C, p.Glu338Ala (NM_001270448.2); short protein forms E338A, E392A, E414A, E437A.
Identifiers: ClinVar variation 828131 (VCV000828131.9), dbSNP rs1597534120, ClinGen allele CA397724669.

ClinVar aggregate classification (germline): Conflicting classifications of pathogenicity. Review status: criteria provided, conflicting classifications (1 of 4 stars). 6 submissions from 6 submitters: Pathogenic (1); Likely pathogenic (3); Uncertain significance (1). 1 of the submissions does not count toward it. Last evaluated 2025-11-13.

Conditions:
Very long chain acyl-CoA dehydrogenase deficiency (ACADVLD). Also called: Very Long-Chain Acyl-Coenzyme A Dehydrogenase Deficiency; VLCAD Deficiency. Identifiers: Orphanet 26793, MedGen C3887523, MONDO:0008723, OMIM 201475.

Allele frequency attached by ClinVar (database versions not stated): gnomAD exomes below 0.00001.
gnomAD v4.1: 1 of 1,614,106 alleles (0.000062%); highest among the groups gnomAD compares: Non-Finnish European, 0.000085%; no homozygotes.

Submissions (6):

Myriad Genetics, Inc.
Classification: Likely pathogenic for Very long chain acyl-CoA dehydrogenase deficiency. Last evaluated: 2025-11-13. Review status: criteria provided, single submitter. Criteria: Myriad Autosomal Dominant, Autosomal Recessive and X-Linked Classification Criteria (2023). Collection method: clinical testing. Allele origin: unknown.
Comment: NM_000018.3(ACADVL):c.1241A>C(E414A) is a missense variant classified as likely pathogenic in the context of very-long-chain acyl-CoA dehydrogenase deficiency. E414A has been observed in cases with relevant disease (PMID: 32518924, Al Masseri_2022_(Poster)). Relevant functional assessments of this variant are not available in the literature. E414A has not been observed in referenced population frequency databases. In summary, NM_000018.3(ACADVL):c.1241A>C(E414A) is a missense variant that has been observed more frequently in cases with the relevant disease than in healthy populations. Please note: this variant was assessed in the context of healthy population screening.

Women's Health and Genetics/Laboratory Corporation of America, LabCorp
Classification: Uncertain significance. Last evaluated: 2025-04-18. Review status: criteria provided, single submitter. Criteria: LabCorp Variant Classification Summary - May 2015. Collection method: clinical testing. Allele origin: germline.
Comment: Variant summary: ACADVL c.1241A>C (p.Glu414Ala) results in a non-conservative amino acid change in the encoded protein sequence. Five of five in-silico tools predict a damaging effect of the variant on protein function. The variant was absent in 251470 control chromosomes. c.1241A>C has been observed in the homozygous state in at least 1 individual(s) affected with Very Long Chain Acyl-CoA Dehydrogenase Deficiency (example, Alhashem_2020, Monies_2019). These data indicate that the variant may be associated with disease. To our knowledge, no experimental evidence demonstrating an impact on protein function has been reported. The following publications have been ascertained in the context of this evaluation (PMID: 26385305, 31130284, 32518924). ClinVar contains an entry for this variant (Variation ID: 828131). Based on the evidence outlined above, the variant was classified as VUS-possibly pathogenic.

Genomic Medicine Center of Excellence, King Faisal Specialist Hospital and Research Centre
Classification: Pathogenic for VLCAD deficiency. Last evaluated: 2024-03-14. Review status: criteria provided, single submitter. Criteria: ACMG Guidelines, 2015. Collection method: clinical testing. Allele origin: germline.

Baylor Genetics
Classification: Likely pathogenic for Very long chain acyl-CoA dehydrogenase deficiency. Last evaluated: 2023-08-22. Review status: criteria provided, single submitter. Criteria: ACMG Guidelines, 2015. Collection method: clinical testing. Allele origin: unknown.

Wong Mito Lab, Molecular and Human Genetics, Baylor College of Medicine
Classification: Likely pathogenic for Very long chain acyl-CoA dehydrogenase deficiency. Last evaluated: 2019-11-01. Review status: criteria provided, single submitter. Criteria: ACMG Guidelines, 2015. Collection method: clinical testing. Allele origin: germline.
Comment: The NM_000018.3:c.1241A>C (NP_000009.1:p.Glu414Ala) [GRCH38: NC_000017.11:g.7223702A>C] variant in ACADVL gene is interpretated to be Likely pathogenic based on ACMG guidelines (PMID: 25741868). This variant has been reported. This variant meets the following evidence codes reported in the ACMG guidelines: PM1, PM3, PP3, PP4

Biochemical Molecular Genetic Laboratory, King Abdulaziz Medical City
Classification: Likely pathogenic for Very long chain acyl-CoA dehydrogenase deficiency. Last evaluated: 2020-02-05. Review status: no assertion criteria provided. Collection method: clinical testing. Allele origin: germline. Affected: yes. Not counted in ClinVar's aggregate classification.

Literature cited by the submitters: PubMed 26385305 (cited by Women's Health and Genetics/Laboratory Corporation of America, LabCorp); PubMed 31130284 (cited by Women's Health and Genetics/Laboratory Corporation of America, LabCorp); PubMed 32518924 (cited by Women's Health and Genetics/Laboratory Corporation of America, LabCorp).